The following is an entry in ClinVar:

ClinVar aggregate classification (germline): Uncertain significance (1 of 4 stars; one submission).

Submission:

Ambry Genetics
Classification: Uncertain significance. Last evaluated: 2025-06-06. Review status: criteria provided, single submitter. Criteria: Ambry Variant Classification Scheme 2023. Collection method: clinical testing. Allele origin: germline.
Comment: The p.L48V variant (also known as c.142C>G), located in coding exon 2 of the SRP72 gene, results from a C to G substitution at nucleotide position 142. The leucine at codon 48 is replaced by valine, an amino acid with highly similar properties. This amino acid position is conserved. In addition, this alteration is predicted to be tolerated by in silico analysis. Based on the available evidence, the clinical significance of this variant remains unclear.

NM_006947.4(SRP72):c.142C>G (p.Leu48Val)

Gene: SRP72 (signal recognition particle 72; plus strand). Cytogenetic location: 4q12.
Variant type: single nucleotide variant.
Coding change: c.142C>G on transcript NM_006947.4 (MANE Select); coding-DNA position 142, C replaced by G.
Protein change: p.Leu48Val; replaces leucine 48 with valine.
Molecular consequence: missense variant. On other transcripts: non-coding transcript variant (1).
Genome position (GRCh38, 1-based): chr4:56,469,685, C>G. VCF-style: chr4-56469685-C-G. GRCh37 (hg19) VCF-style: chr4-57335851-C-G.
Other names: c.142C>G, p.Leu48Val (NM_001267722.2); short protein forms L48V.
Identifiers: ClinVar variation 3962137 (VCV003962137.1).